The following is an entry in ClinVar:

ClinVar aggregate classification (germline): Uncertain significance. Review status: criteria provided, multiple submitters, no conflicts (2 of 4 stars). 3 submissions from 3 submitters: Uncertain significance (3). Last evaluated 2025-12-15.

Conditions:
Hereditary cancer-predisposing syndrome. Also called: Tumor predisposition; Hereditary neoplastic syndrome; Hereditary Cancer Syndrome; Neoplastic Syndromes, Hereditary. Identifiers: Orphanet 140162, MedGen C0027672, MeSH D009386, MONDO:0015356.
Familial adenomatous polyposis 1 (FAP1). Also called: FAMILIAL ADENOMATOUS POLYPOSIS 1, ATTENUATED; POLYPOSIS, ADENOMATOUS INTESTINAL. Identifiers: MedGen C2713442, MONDO:0021056, OMIM 175100. Disease mechanism: loss of function.

Submissions (3):

Color Diagnostics, LLC DBA Color Health
Classification: Uncertain significance for Hereditary cancer-predisposing syndrome. Last evaluated: 2025-12-15. Review status: criteria provided, single submitter. Criteria: ACMG Guidelines, 2015. Collection method: clinical testing. Allele origin: germline.
Comment: This missense variant replaces alanine with proline at codon 1700 of the APC protein. Computational prediction suggests that this variant may not impact protein structure and function. To our knowledge, functional studies have not been reported for this variant. This variant has not been reported in individuals affected with APC-related disorders in the literature. This variant has not been identified in the general population by the Genome Aggregation Database (gnomAD). The available evidence is insufficient to determine the role of this variant in disease conclusively. Therefore, this variant is classified as a Variant of Uncertain Significance.

Labcorp Genetics (formerly Invitae), Labcorp
Classification: Uncertain significance for Familial adenomatous polyposis 1. Last evaluated: 2024-10-11. Review status: criteria provided, single submitter. Criteria: Invitae Variant Classification Sherloc (09022015). Collection method: clinical testing. Allele origin: germline.
Comment: This sequence change replaces alanine, which is neutral and non-polar, with proline, which is neutral and non-polar, at codon 1700 of the APC protein (p.Ala1700Pro). This variant is not present in population databases (gnomAD no frequency). This missense change has been observed in individual(s) with colorectal polyps (internal data). ClinVar contains an entry for this variant (Variation ID: 964536). Invitae Evidence Modeling of protein sequence and biophysical properties (such as structural, functional, and spatial information, amino acid conservation, physicochemical variation, residue mobility, and thermodynamic stability) indicates that this missense variant is not expected to disrupt APC protein function with a negative predictive value of 95%. In summary, the available evidence is currently insufficient to determine the role of this variant in disease. Therefore, it has been classified as a Variant of Uncertain Significance.

Ambry Genetics
Classification: Uncertain significance for Hereditary cancer-predisposing syndrome. Last evaluated: 2022-05-21. Review status: criteria provided, single submitter. Criteria: Ambry Variant Classification Scheme 2023. Collection method: clinical testing. Allele origin: germline.
Comment: The p.A1700P variant (also known as c.5098G>C), located in coding exon 15 of the APC gene, results from a G to C substitution at nucleotide position 5098. The alanine at codon 1700 is replaced by proline, an amino acid with highly similar properties. This amino acid position is conserved. In addition, in silico predictors for this gene do not accurately predict pathogenicity. Since supporting evidence is limited at this time, the clinical significance of this alteration remains unclear.

NM_000038.6(APC):c.5098G>C (p.Ala1700Pro)

Gene: APC (APC regulator of Wnt signaling pathway; plus strand). Cytogenetic location: 5q22.2.
Variant type: single nucleotide variant.
Coding change: c.5098G>C on transcript NM_000038.6 (MANE Select); coding-DNA position 5098, G replaced by C.
Protein change: p.Ala1700Pro; replaces alanine 1700 with proline.
Molecular consequence: missense variant.
Genome position (GRCh38, 1-based): chr5:112,840,692, G>C. VCF-style: chr5-112840692-G-C. GRCh37 (hg19) VCF-style: chr5-112176389-G-C.
Other names: c.5098G>C, p.Ala1700Pro (NM_001127510.3, NM_001354895.2); c.5044G>C, p.Ala1682Pro (NM_001127511.3); c.5152G>C, p.Ala1718Pro (NM_001354896.2); c.5128G>C, p.Ala1710Pro (NM_001354897.2); c.5023G>C, p.Ala1675Pro (NM_001354898.2); c.5014G>C, p.Ala1672Pro (NM_001354899.2); c.4975G>C, p.Ala1659Pro (NM_001354900.2); c.4921G>C, p.Ala1641Pro (NM_001354901.2); and 5 more; short protein forms A1609P, A1672P, A1682P, A1710P, A1718P, A1417P, A1540P, A1574P.
Identifiers: ClinVar variation 964536 (VCV000964536.13), dbSNP rs1311394468, ClinGen allele CA16032478.